The following is an entry in ClinVar:

ClinVar aggregate classification (germline): Benign. Review status: criteria provided, multiple submitters, no conflicts (2 of 4 stars). 3 submissions from 3 submitters: Benign (2). 1 of the submissions does not count toward it. Last evaluated 2026-02-02.

Conditions:
Retinitis pigmentosa 26 (RP26). Identifiers: Orphanet 791, MedGen C1842127, MONDO:0012024, OMIM 608380.

Submissions (3):

Labcorp Genetics (formerly Invitae), Labcorp
Classification: Benign. Last evaluated: 2026-02-02. Review status: criteria provided, single submitter. Criteria: Invitae Variant Classification Sherloc (09022015). Collection method: clinical testing. Allele origin: germline.

GeneDx
Classification: Benign. Last evaluated: 2017-05-17. Review status: criteria provided, single submitter. Criteria: GeneDx Variant Classification (06012015). Collection method: clinical testing. Allele origin: germline. Affected: yes.
Comment: This variant is considered likely benign or benign based on one or more of the following criteria: it is a conservative change, it occurs at a poorly conserved position in the protein, it is predicted to be benign by multiple in silico algorithms, and/or has population frequency not consistent with disease.

Natera, Inc.
Classification: Benign for Retinitis pigmentosa type 26. Last evaluated: 2020-09-16. Review status: no assertion criteria provided. Collection method: clinical testing. Allele origin: germline. Not counted in ClinVar's aggregate classification.

NM_201548.5(CERKL):c.239-4dup

Gene: CERKL (CERK like autophagy regulator; minus strand). Cytogenetic location: 2q31.3.
Variant type: Duplication.
Coding change: c.239-4dup on transcript NM_201548.5 (MANE Select); 4 bases into the intron before coding-DNA position 239, one base duplicated (T; older notation c.239-4dupT).
Molecular consequence: intron variant.
Genome position (GRCh38, 1-based): chr2:181,604,083, A duplicated on the plus strand (T on the coding strand, the reverse complement: CERKL is on the minus strand); the first of 9 consecutive A bases (chr2:181,604,083-181,604,091); duplicating any one gives the same sequence. VCF-style (leftmost placement, unchanged base first): chr2-181604082-G-GA. GRCh37 (hg19) VCF-style: chr2-182468809-G-GA.
Other names: c.239-4dup (NM_001030311.2, NM_001030312.3, NM_001160277.2 and 2 more transcripts); c.239-4dupT (NM_201548.4).
Identifiers: ClinVar variation 333013 (VCV000333013.16), dbSNP rs201864646, ClinGen allele CA2010885.